The following is an entry in ClinVar:

ClinVar aggregate classification (somatic clinical impact): Tier II - Potential (1 of 4 stars; one submission).

Conditions:
Alveolar rhabdomyosarcoma (RMS2). Also called: RHABDOMYOSARCOMA 2; Alveolar rhabdomyosarcoma (disease). Identifiers: Orphanet 780, Orphanet 99756, MedGen C0206655, MONDO:0009994, OMIM 268220, HP:0006779.

Submission:

Institute for Genomic Medicine (IGM) Clinical Laboratory, Nationwide Children's Hospital
Classification: Tier II - Potential for Alveolar rhabdomyosarcoma. Assertion type: diagnostic. Clinical significance: supports diagnosis. Last evaluated: 2023-09-18. Review status: criteria provided, single submitter. Criteria: AMP/ASCO/CAP Guidelines, 2017. Collection method: clinical testing. Allele origin: somatic. Affected: yes.
Comment: Variant has Tier II (potential) clinical significance as a diagnostic inclusion criterion in alveolar rhabdomyosarcoma, based on the following evidence: 1) Diagnostic significance based on multiple small studies (Evidence Level C; PMIDs: 22142829, 23766666, 24332040, 24436047, 24641407, 34166060, 34755412, 35012940).

Literature cited by the submitters: PubMed 22142829; PubMed 23766666; PubMed 24332040; PubMed 24436047; PubMed 24641407; PubMed 34166060; PubMed 34755412; PubMed 35012940.

NM_006218.4(PIK3CA):c.1896A>C (p.Leu632Phe)

Gene: PIK3CA (phosphatidylinositol-4,5-bisphosphate 3-kinase catalytic subunit alpha; plus strand). Cytogenetic location: 3q26.32.
Variant type: single nucleotide variant.
Coding change: c.1896A>C on transcript NM_006218.4 (MANE Select); coding-DNA position 1896, A replaced by C.
Protein change: p.Leu632Phe; replaces leucine 632 with phenylalanine.
Molecular consequence: missense variant.
Genome position (GRCh38, 1-based): chr3:179,219,720, A>C. VCF-style: chr3-179219720-A-C. GRCh37 (hg19) VCF-style: chr3-178937508-A-C.
Other names: short protein forms L632F.
Identifiers: ClinVar variation 4530366 (VCV004530366.1).